The following is an entry in ClinVar:

NM_001375808.2(LPIN2):c.1754G>C (p.Ser585Thr)

Gene: LPIN2 (lipin 2; minus strand). Cytogenetic location: 18p11.31.
Variant type: single nucleotide variant.
Coding change: c.1754G>C on transcript NM_001375808.2 (MANE Select); coding-DNA position 1754, G replaced by C.
Protein change: p.Ser585Thr; replaces serine 585 with threonine.
Molecular consequence: missense variant.
Genome position (GRCh38, 1-based): chr18:2,926,762, C>G on the plus strand (G>C on the coding strand, the complement: LPIN2 is on the minus strand). VCF-style: chr18-2926762-C-G. GRCh37 (hg19) VCF-style: chr18-2926760-C-G.
Other names: c.1754G>C, p.Ser585Thr (NM_001375809.1, NM_014646.2); short protein forms S585T.
Identifiers: ClinVar variation 1005414 (VCV001005414.6), dbSNP rs2077137787, ClinGen allele CA401703052.

ClinVar aggregate classification (germline): Uncertain significance (1 of 4 stars; one submission).

Conditions:
Majeed syndrome (MJDS). Also called: CHRONIC RECURRENT MULTIFOCAL OSTEOMYELITIS 1, WITH CONGENITAL DYSERYTHROPOIETIC ANEMIA, WITH OR WITHOUT NEUTROPHILIC DERMATOSIS; LPIN2-Related Majeed Syndrome. Identifiers: Orphanet 77297, MedGen C1864997, MONDO:0012316, OMIM 609628.

Submission:

Labcorp Genetics (formerly Invitae), Labcorp
Classification: Uncertain significance for Majeed syndrome. Last evaluated: 2021-09-01. Review status: criteria provided, single submitter. Criteria: Invitae Variant Classification Sherloc (09022015). Collection method: clinical testing. Allele origin: germline.
Comment: This sequence change replaces serine with threonine at codon 585 of the LPIN2 protein (p.Ser585Thr). The serine residue is weakly conserved and there is a small physicochemical difference between serine and threonine. This variant is not present in population databases (ExAC no frequency). This variant has not been reported in the literature in individuals affected with LPIN2-related conditions. Algorithms developed to predict the effect of missense changes on protein structure and function (SIFT, PolyPhen-2, Align-GVGD) all suggest that this variant is likely to be tolerated. In summary, the available evidence is currently insufficient to determine the role of this variant in disease. Therefore, it has been classified as a Variant of Uncertain Significance.